The following is an entry in ClinVar:

ClinVar aggregate classification (germline): Uncertain significance (1 of 4 stars; one submission).

Submission:

Labcorp Genetics (formerly Invitae), Labcorp
Classification: Uncertain significance. Last evaluated: 2022-08-16. Review status: criteria provided, single submitter. Criteria: Invitae Variant Classification Sherloc (09022015). Collection method: clinical testing. Allele origin: germline.
Comment: This sequence change replaces leucine, which is neutral and non-polar, with proline, which is neutral and non-polar, at codon 843 of the RBP3 protein (p.Leu843Pro). This variant is not present in population databases (gnomAD no frequency). This variant has not been reported in the literature in individuals affected with RBP3-related conditions. ClinVar contains an entry for this variant (Variation ID: 1433399). Algorithms developed to predict the effect of missense changes on protein structure and function are either unavailable or do not agree on the potential impact of this missense change (SIFT: "Deleterious"; PolyPhen-2: "Probably Damaging"; Align-GVGD: "Class C0"). In summary, the available evidence is currently insufficient to determine the role of this variant in disease. Therefore, it has been classified as a Variant of Uncertain Significance.

NM_002900.3(RBP3):c.2528T>C (p.Leu843Pro)

Gene: RBP3 (retinol binding protein 3; plus strand). Cytogenetic location: 10q11.22.
Variant type: single nucleotide variant.
Coding change: c.2528T>C on transcript NM_002900.3 (MANE Select); coding-DNA position 2528, T replaced by C.
Protein change: p.Leu843Pro; replaces leucine 843 with proline.
Molecular consequence: missense variant.
Genome position (GRCh38, 1-based): chr10:47,351,012, T>C. VCF-style: chr10-47351012-T-C. GRCh37 (hg19) VCF-style: chr10-48388350-A-G.
Other names: short protein forms L843P.
Identifiers: ClinVar variation 1433399 (VCV001433399.5), dbSNP rs2132255300, ClinGen allele CA376673335.